The following is an entry in ClinVar:

ClinVar aggregate classification (germline): Pathogenic (1 of 4 stars; one submission).

Submission:

Labcorp Genetics (formerly Invitae), Labcorp
Classification: Pathogenic. Last evaluated: 2026-01-24. Review status: criteria provided, single submitter. Criteria: Invitae Variant Classification Sherloc (09022015). Collection method: clinical testing. Allele origin: germline.
Comment: This sequence change affects an acceptor splice site in intron 18 of the SLC26A3 gene. It is expected to disrupt RNA splicing. Variants that disrupt the donor or acceptor splice site typically lead to a loss of protein function (PMID: 16199547), and loss-of-function variants in SLC26A3 are known to be pathogenic (PMID: 9718329, 21394828). This variant is not present in population databases (gnomAD no frequency). Disruption of this splice site has been observed in individuals with congenital chloride diarrhea (PMID: 22779076, 23274434, 25711268). Algorithms developed to predict the effect of sequence changes on RNA splicing suggest that this variant may disrupt the consensus splice site. For these reasons, this variant has been classified as Pathogenic.

Literature cited by the submitters: PubMed 16199547; PubMed 9718329; PubMed 21394828; PubMed 22779076; PubMed 23274434; PubMed 25711268.

NM_000111.3(SLC26A3):c.2063-1G>C

Gene: SLC26A3 (solute carrier family 26 member 3; minus strand). Cytogenetic location: 7q22.3.
Variant type: single nucleotide variant.
Coding change: c.2063-1G>C on transcript NM_000111.3 (MANE Select); the canonical splice acceptor site of the intron before coding-DNA position 2063, G replaced by C.
Molecular consequence: splice acceptor variant.
Genome position (GRCh38, 1-based): chr7:107,767,909, C>G on the plus strand (G>C on the coding strand, the complement: SLC26A3 is on the minus strand). VCF-style: chr7-107767909-C-G. GRCh37 (hg19) VCF-style: chr7-107408354-C-G.
Identifiers: ClinVar variation 4734144 (VCV004734144.1).